The following is an entry in ClinVar:

NM_015559.3(SETBP1):c.2446A>G (p.Thr816Ala)

Gene: SETBP1 (SET binding protein 1; plus strand). Cytogenetic location: 18q12.3.
Variant type: single nucleotide variant.
Coding change: c.2446A>G on transcript NM_015559.3 (MANE Select); coding-DNA position 2446, A replaced by G.
Protein change: p.Thr816Ala; replaces threonine 816 with alanine.
Molecular consequence: missense variant.
Genome position (GRCh38, 1-based): chr18:44,951,786, A>G. VCF-style: chr18-44951786-A-G. GRCh37 (hg19) VCF-style: chr18-42531751-A-G.
Other names: c.2446A>G, p.Thr816Ala (NM_001379141.1, NM_001379142.1, NM_001410862.1); short protein forms T816A.
Identifiers: ClinVar variation 3660173 (VCV003660173.2).
Genomic context (GRCh38, chr18:44,951,786, plus strand): 5'-GAAACCAATTTTTCAGAGTTGAAAACTATGCCAAATCTCCAGCCCATCAGTGCTCTTCCA[A>G]CCAAAACCCAAAAGGGAATACACAGTGGAACCTGGAAGCTGTCTCCACCCAGACTGATGG-3'
Protein context (NP_056374.2, residues 806-826): PNLQPISALP[Thr816Ala]KTQKGIHSGT

ClinVar aggregate classification (germline): Uncertain significance (1 of 4 stars; one submission).

gnomAD v4.1: 1 of 1,614,008 alleles (0.000062%); highest among the groups gnomAD compares: South Asian, 0.0011%; no homozygotes.

Submission:

Labcorp Genetics (formerly Invitae), Labcorp
Classification: Uncertain significance. Last evaluated: 2024-07-30. Review status: criteria provided, single submitter. Criteria: Invitae Variant Classification Sherloc (09022015). Collection method: clinical testing. Allele origin: germline.
Comment: This sequence change replaces threonine, which is neutral and polar, with alanine, which is neutral and non-polar, at codon 816 of the SETBP1 protein (p.Thr816Ala). This variant is not present in population databases (gnomAD no frequency). This variant has not been reported in the literature in individuals affected with SETBP1-related conditions. Advanced modeling of protein sequence and biophysical properties (such as structural, functional, and spatial information, amino acid conservation, physicochemical variation, residue mobility, and thermodynamic stability) has been performed at Invitae for this missense variant, however the output from this modeling did not meet the statistical confidence thresholds required to predict the impact of this variant on SETBP1 protein function. In summary, the available evidence is currently insufficient to determine the role of this variant in disease. Therefore, it has been classified as a Variant of Uncertain Significance.